The following is an entry in ClinVar:

ClinVar aggregate classification (germline): Uncertain significance (1 of 4 stars; one submission).

Submission:

Dasa
Classification: Uncertain significance. Last evaluated: 2024-12-26. Review status: criteria provided, single submitter. Criteria: DASA Assertion Criteria. Collection method: clinical testing. Allele origin: germline.
Comment: NM_004612.4(TGFBR1):c.1090A>T (p.Thr364Ser) is a missense variant that results in the substitution of threonine with serine. The affected residue or protein region has prior evidence supporting clinical relevance. This variant is absent from population databases. Computational prediction algorithms are consistent with a benign effect. The currently available literature and clinical evidence are not sufficient to establish a definitive association between this variant and the reported condition. Therefore, this variant is classified as a variant of uncertain significance.

NM_004612.4(TGFBR1):c.1090A>T (p.Thr364Ser)

Gene: TGFBR1 (transforming growth factor beta receptor 1; plus strand). Cytogenetic location: 9q22.33.
Variant type: single nucleotide variant.
Coding change: c.1090A>T on transcript NM_004612.4 (MANE Select); coding-DNA position 1090, A replaced by T.
Protein change: p.Thr364Ser; replaces threonine 364 with serine.
Molecular consequence: missense variant. On other transcripts: non-coding transcript variant (4).
Genome position (GRCh38, 1-based): chr9:99,144,848, A>T. VCF-style: chr9-99144848-A-T. GRCh37 (hg19) VCF-style: chr9-101907130-A-T.
Other names: c.859A>T, p.Thr287Ser (NM_001130916.3, NM_001407435.1); c.1102A>T, p.Thr368Ser (NM_001306210.2); c.934A>T, p.Thr312Ser (NM_001407416.1); c.922A>T, p.Thr308Ser (NM_001407417.1); c.895A>T, p.Thr299Ser (NM_001407418.1, NM_001407419.1, NM_001407420.1 and 1 more transcripts); c.883A>T, p.Thr295Ser (NM_001407423.1, NM_001407424.1, NM_001407425.1 and 8 more transcripts); c.844A>T, p.Thr282Ser (NM_001407436.1); c.382A>T, p.Thr128Ser (NM_001407437.1); and 1 more; short protein forms T128S, T205S, T282S, T287S, T295S, T299S, T308S, T312S.
Identifiers: ClinVar variation 4856865 (VCV004856865.2).